The following is an entry in ClinVar:

NM_002471.4(MYH6):c.5101C>T (p.Arg1701Trp)

Genes: MYH6 (myosin heavy chain 6; minus strand), LOC126861896 (BRD4-independent group 4 enhancer GRCh37_chr14:23854904-23856103; plus strand). Cytogenetic location: 14q11.2.
Variant type: single nucleotide variant.
Coding change: c.5101C>T on transcript NM_002471.4 (MANE Select); coding-DNA position 5101, C replaced by T.
Protein change: p.Arg1701Trp; replaces arginine 1701 with tryptophan.
Molecular consequence: missense variant.
Genome position (GRCh38, 1-based): chr14:23,385,990, G>A on the plus strand (C>T on the coding strand, the complement: MYH6 is on the minus strand). VCF-style: chr14-23385990-G-A. GRCh37 (hg19) VCF-style: chr14-23855199-G-A.
Other names: short protein forms R1701W.
Identifiers: ClinVar variation 228896 (VCV000228896.13), dbSNP rs765737102, ClinGen allele CA7114546.
Genomic context (GRCh38, chr14:23,385,990, plus strand): 5'-GGGAATGCAGCAGCTGCACCCGCTCGCTGGTCTCAATCAGCTCCTGCTCCGCCAGCTTCC[G>A]GGACCGCTCTGTCTGCTCCACCACGGCACGCAGCTCCTCCAGCTCAGCCTGCAGCAGGTT-3'
Protein context (NP_002462.2, residues 1691-1711): RAVVEQTERS[Arg1701Trp]KLAEQELIET

ClinVar aggregate classification (germline): Uncertain significance. Review status: criteria provided, multiple submitters, no conflicts (2 of 4 stars). 4 submissions from 4 submitters: Uncertain significance (4). Last evaluated 2026-09-02.

Conditions:
Cardiovascular phenotype. Identifiers: MedGen CN230736.
MYH6-related disorder. Also called: MYH6-Related Disorders; MYH6-related condition.
Hypertrophic cardiomyopathy 14. Identifiers: MedGen C2750467, MONDO:0013197, OMIM 613251.

Allele frequency attached by ClinVar (database versions not stated): TOPMed 0.00002; gnomAD 0.00003; gnomAD exomes 0.00003 and 0.00005; ExAC 0.00005.
gnomAD v4.1: 74 of 1,614,076 alleles (0.0046%); highest among the groups gnomAD compares: Non-Finnish European, 0.0055%; no homozygotes.

Submissions (4):

PreventionGenetics, part of Exact Sciences
Classification: Uncertain significance for MYH6-related condition. Last evaluated: 2026-09-02. Review status: criteria provided, single submitter. Criteria: ACMG Guidelines, 2015. Collection method: clinical testing. Allele origin: germline.
Comment: The MYH6 c.5101C>T variant is predicted to result in the amino acid substitution p.Arg1701Trp. This variant has not been reported in the literature in individuals with MYH6-related congenital heart defects. This variant has been reported along with a variant in the MYBPC3 gene in an individual with hypertrophic cardiomyopathy (Supplementary table 2, Mademont-Soler et al. 2017. PubMed ID: 28771489). This variant is reported in 0.015% of alleles in individuals of East Asian descent in gnomAD. At this time, the clinical significance of this variant is uncertain due to the absence of conclusive functional and genetic evidence.

Ambry Genetics
Classification: Uncertain significance for Cardiovascular phenotype. Last evaluated: 2025-05-08. Review status: criteria provided, single submitter. Criteria: Ambry Variant Classification Scheme 2023. Collection method: clinical testing. Allele origin: germline.
Comment: The p.R1701W variant (also known as c.5101C>T), located in coding exon 32 of the MYH6 gene, results from a C to T substitution at nucleotide position 5101. The arginine at codon 1701 is replaced by tryptophan, an amino acid with dissimilar properties. This variant co-occurred with an MYBPC3 variant in an individual from a hypertrophic cardiomyopathy cohort (Mademont-Soler I. PLoS One. 2017 Aug;12(8):e0181465). This amino acid position is highly conserved in available vertebrate species. In addition, this alteration is predicted to be deleterious by in silico analysis. Since supporting evidence is limited at this time, the clinical significance of this alteration remains unclear.

Labcorp Genetics (formerly Invitae), Labcorp
Classification: Uncertain significance for Hypertrophic cardiomyopathy 14. Last evaluated: 2022-07-01. Review status: criteria provided, single submitter. Criteria: Invitae Variant Classification Sherloc (09022015). Collection method: clinical testing. Allele origin: germline.
Comment: In summary, the available evidence is currently insufficient to determine the role of this variant in disease. Therefore, it has been classified as a Variant of Uncertain Significance. Algorithms developed to predict the effect of missense changes on protein structure and function are either unavailable or do not agree on the potential impact of this missense change (SIFT: "Deleterious"; PolyPhen-2: "Probably Damaging"; Align-GVGD: "Class C0"). ClinVar contains an entry for this variant (Variation ID: 228896). This variant has not been reported in the literature in individuals affected with MYH6-related conditions. This variant is present in population databases (rs765737102, gnomAD 0.02%). This sequence change replaces arginine, which is basic and polar, with tryptophan, which is neutral and slightly polar, at codon 1701 of the MYH6 protein (p.Arg1701Trp).

Laboratory for Molecular Medicine, Mass General Brigham Personalized Medicine
Classification: Uncertain significance. Last evaluated: 2015-07-07. Review status: criteria provided, single submitter. Criteria: LMM Criteria. Collection method: clinical testing. Allele origin: germline. Observed: 1 variant allele.
Comment: The p.Arg1701Trp variant in MYH6 has not been previously reported in individuals with cardiomyopathy, but has been identified in 2/8652 East Asian chromosomes a nd 2/10384 African chromosomes by the Exome Aggregation Consortium (ExAC). Computational prediction tools and conservation analy sis suggest that this variant may impact the protein, though this information is not predictive enough to determine pathogenicity. In summary, the clinical sign ificance of the p.Arg1701Trp variant is uncertain.

Literature cited by the submitters: PubMed 28771489 (cited by Ambry Genetics).